The following is an entry in ClinVar:

ClinVar aggregate classification (germline): Uncertain significance. Review status: criteria provided, multiple submitters, no conflicts (2 of 4 stars). 3 submissions from 3 submitters: Uncertain significance (3). Last evaluated 2025-09-28.

Conditions:
Hereditary cancer-predisposing syndrome. Also called: Neoplastic Syndromes, Hereditary; Tumor predisposition; Hereditary Cancer Syndrome; Hereditary neoplastic syndrome. Identifiers: Orphanet 140162, MedGen C0027672, MeSH D009386, MONDO:0015356.

Allele frequency attached by ClinVar (database versions not stated): TOPMed below 0.00001.

Submissions (3):

Labcorp Genetics (formerly Invitae), Labcorp
Classification: Uncertain significance. Last evaluated: 2025-09-28. Review status: criteria provided, single submitter. Criteria: Invitae Variant Classification Sherloc (09022015). Collection method: clinical testing. Allele origin: germline.
Comment: This sequence change replaces glycine, which is neutral and non-polar, with aspartic acid, which is acidic and polar, at codon 81 of the HOXB13 protein (p.Gly81Asp). This variant is not present in population databases (gnomAD no frequency). This variant has not been reported in the literature in individuals affected with HOXB13-related conditions. ClinVar contains an entry for this variant (Variation ID: 821262). Invitae Evidence Modeling of protein sequence and biophysical properties (such as structural, functional, and spatial information, amino acid conservation, physicochemical variation, residue mobility, and thermodynamic stability) indicates that this missense variant is not expected to disrupt HOXB13 protein function with a negative predictive value of 80%. In summary, the available evidence is currently insufficient to determine the role of this variant in disease. Therefore, it has been classified as a Variant of Uncertain Significance.

Ambry Genetics
Classification: Uncertain significance for Hereditary cancer-predisposing syndrome. Last evaluated: 2024-09-18. Review status: criteria provided, single submitter. Criteria: Ambry Variant Classification Scheme 2023. Collection method: clinical testing. Allele origin: germline.
Comment: The p.G81D variant (also known as c.242G>A), located in coding exon 1 of the HOXB13 gene, results from a G to A substitution at nucleotide position 242. The glycine at codon 81 is replaced by aspartic acid, an amino acid with similar properties. This amino acid position is highly conserved in available vertebrate species. In addition, the in silico prediction for this alteration is inconclusive. Since supporting evidence is limited at this time, the clinical significance of this alteration remains unclear.

GeneDx
Classification: Uncertain significance. Last evaluated: 2023-11-15. Review status: criteria provided, single submitter. Criteria: GeneDx Variant Classification Process June 2021. Collection method: clinical testing. Allele origin: germline. Affected: yes.
Comment: Not observed at significant frequency in large population cohorts (gnomAD); In silico analysis supports that this missense variant has a deleterious effect on protein structure/function; Has not been previously published as pathogenic or benign to our knowledge; This variant is associated with the following publications: (PMID: 15617687)

NM_006361.6(HOXB13):c.242G>A (p.Gly81Asp)

Gene: HOXB13 (homeobox B13; minus strand). Cytogenetic location: 17q21.32.
Variant type: single nucleotide variant.
Coding change: c.242G>A on transcript NM_006361.6 (MANE Select); coding-DNA position 242, G replaced by A.
Protein change: p.Gly81Asp; replaces glycine 81 with aspartic acid.
Molecular consequence: missense variant.
Genome position (GRCh38, 1-based): chr17:48,728,352, C>T on the plus strand (G>A on the coding strand, the complement: HOXB13 is on the minus strand). VCF-style: chr17-48728352-C-T. GRCh37 (hg19) VCF-style: chr17-46805714-C-T.
Other names: short protein forms G81D.
Identifiers: ClinVar variation 821262 (VCV000821262.16), dbSNP rs1597934688, ClinGen allele CA400107857.
Genomic context (GRCh38, chr17:48,728,352, plus strand): 5'-GCACAGGGTTTCAGCGAGCTCCGGGACACTCGGCAGGAGTAGTACCCGCCTCCAAAGTAA[C>T]CATAAGGCACGGGAGCTGGGGACGTCCCCTGGGGCACCCCAGGGCATGGGTGGCATTGCT-3'
Protein context (NP_006352.2, residues 71-91): QGTSPAPVPY[Gly81Asp]YFGGGYYSCR